The following is an entry in ClinVar:

ClinVar aggregate classification (germline): Benign/Likely benign. Review status: criteria provided, multiple submitters, no conflicts (2 of 4 stars). 4 submissions from 4 submitters: Benign (1); Likely benign (2). 1 of the submissions does not count toward it. Last evaluated 2025-06-12.

Conditions:
Hyperkalemic periodic paralysis. Also called: Familial hyperkalemic periodic paralysis; Gamstorp disease. Identifiers: Orphanet 682, MedGen C0238357, MONDO:0008224, OMIM 170500, HP:0007215.
SCN4A-related disorder. Also called: SCN4A-related disorders.

Allele frequency attached by ClinVar (database versions not stated): gnomAD exomes 0.00007 and 0.00010; ExAC 0.00021; ESP Exome Variant Server 0.00015; gnomAD 0.00015 and 0.00018; 1000 Genomes Project 30x 0.00016; 1000 Genomes Project 0.00020; TOPMed 0.00014.
gnomAD v4.1: 131 of 1,613,834 alleles (0.0081%); highest among the groups gnomAD compares: African/African-American, 0.057%; no homozygotes.

Submissions (4):

Labcorp Genetics (formerly Invitae), Labcorp
Classification: Likely benign for Hyperkalemic periodic paralysis. Last evaluated: 2025-06-12. Review status: criteria provided, single submitter. Criteria: Invitae Variant Classification Sherloc (09022015). Collection method: clinical testing. Allele origin: germline.

Athena Diagnostics
Classification: Benign. Last evaluated: 2019-11-01. Review status: criteria provided, single submitter. Criteria: Athena Diagnostics Criteria. Collection method: clinical testing. Allele origin: unknown.

GeneDx
Classification: Likely benign. Last evaluated: 2018-05-21. Review status: criteria provided, single submitter. Criteria: GeneDx Variant Classification (06012015). Collection method: clinical testing. Allele origin: germline. Affected: yes.
Comment: This variant is considered likely benign or benign based on one or more of the following criteria: it is a conservative change, it occurs at a poorly conserved position in the protein, it is predicted to be benign by multiple in silico algorithms, and/or has population frequency not consistent with disease.

PreventionGenetics, part of Exact Sciences
Classification: Likely benign for SCN4A-related condition. Last evaluated: 2019-08-20. Review status: no assertion criteria provided. Collection method: clinical testing. Allele origin: germline. Not counted in ClinVar's aggregate classification.
Comment: This variant is classified as likely benign based on ACMG/AMP sequence variant interpretation guidelines (Richards et al. 2015 PMID: 25741868, with internal and published modifications).

NM_000334.4(SCN4A):c.3285C>T (p.Asn1095=)

Genes: GH-LCR (growth hormone locus control region; plus strand), SCN4A (sodium voltage-gated channel alpha subunit 4; minus strand). Cytogenetic location: 17q23.3.
Variant type: single nucleotide variant.
Coding change: c.3285C>T on transcript NM_000334.4 (MANE Select); coding-DNA position 3285, C replaced by T.
Protein change: p.Asn1095=; no amino-acid change (asparagine 1095 retained).
Molecular consequence: synonymous variant.
Genome position (GRCh38, 1-based): chr17:63,947,923, G>A on the plus strand (C>T on the coding strand, the complement: SCN4A is on the minus strand). VCF-style: chr17-63947923-G-A. GRCh37 (hg19) VCF-style: chr17-62025283-G-A.
Identifiers: ClinVar variation 668521 (VCV000668521.15), dbSNP rs371401377, ClinGen allele CA8709332.